The following is an entry in ClinVar:

ClinVar aggregate classification (germline): Pathogenic/Likely pathogenic. Review status: criteria provided, multiple submitters, no conflicts (2 of 4 stars). 8 submissions from 6 submitters: Pathogenic (4); Likely pathogenic (1). 3 of the submissions do not count toward it. Last evaluated 2024-04-07.

Conditions:
Lissencephaly. Also called: Lissencephaly spectrum disorders. Identifiers: Orphanet 48471, MedGen C0266463, MeSH D054082, MONDO:0018838, HP:0001339.
Lissencephaly due to LIS1 mutation (LIS1). Also called: Isolated Lissencephaly Sequence; PAFAH1B1-Related Lissencephaly/Subcortical Band Heterotopia; PAFAH1B1-Associated Lissencephaly/Subcortical Band Heterotopia. Identifiers: Orphanet 95232, MedGen C4749301, MONDO:0011830, OMIM 607432.
Subcortical band heterotopia (SBH). Also called: DC syndrome; SUBCORTICAL LAMINAR HETEROTOPIA; DOUBLE CORTEX SYNDROME. Identifiers: Orphanet 99796, MedGen C1848201, MONDO:0020491, HP:0032409.
Intellectual disability. Also called: Intellectual developmental disorder; Intellectual functioning disability; intellectual disabilities. Identifiers: MedGen C3714756, MeSH D008607, MONDO:0001071, HP:0001249.

Submissions (8):

GeneDx
Classification: Pathogenic. Last evaluated: 2024-04-07. Review status: criteria provided, single submitter. Criteria: GeneDx Variant Classification Process June 2021. Collection method: clinical testing. Allele origin: germline. Affected: yes.
Comment: Previously reported as a mosaic variant in an individual with subcortical band heterotopia, and in the heterozygous state in individuals with lissencephaly (PMID: 14581661, 29671837, 34979677); Nonsense variant predicted to result in protein truncation or nonsense mediated decay in a gene for which loss-of-function is a known mechanism of disease; Not observed at significant frequency in large population cohorts (gnomAD); This variant is associated with the following publications: (PMID: 32366993, 15719169, 29671837, 22129557, 33484635, 33911214, 34979677, 14581661)

Institute of Human Genetics, University of Leipzig Medical Center
Classification: Pathogenic for Lissencephaly due to LIS1 mutation. Last evaluated: 2023-12-06. Review status: criteria provided, single submitter. Criteria: ACMG Guidelines, 2015. Collection method: clinical testing. Allele origin: germline. Affected: yes. Observed: 1 variant allele, 1 mosaic individual.
Comment: Criteria applied: PVS1, PM2_SUP, PS4_MOD. This variant was detected in a mosaic state (allele fraction in blood 0.12)

Labcorp Genetics (formerly Invitae), Labcorp
Classification: Pathogenic. Last evaluated: 2021-12-02. Review status: criteria provided, single submitter. Criteria: Invitae Variant Classification Sherloc (09022015). Collection method: clinical testing. Allele origin: germline.
Comment: For these reasons, this variant has been classified as Pathogenic. ClinVar contains an entry for this variant (Variation ID: 8081). This premature translational stop signal has been observed in individual(s) with lissencephaly (PMID: 14581661, 29671837). This variant is not present in population databases (gnomAD no frequency). This sequence change creates a premature translational stop signal (p.Arg8*) in the PAFAH1B1 gene. It is expected to result in an absent or disrupted protein product. Loss-of-function variants in PAFAH1B1 are known to be pathogenic (PMID: 1671808, 11115846, 14581661).

Institute of Human Genetics, University of Leipzig Medical Center
Classification: Likely pathogenic for Intellectual disability. Last evaluated: 2020-08-03. Review status: criteria provided, single submitter. Criteria: ACMG Guidelines, 2015. Collection method: clinical testing. Allele origin: somatic. Affected: yes.
Comment: Inheritance for this variant was mosaic (12-13% allele frequency). The variant likely explains the NDD in this individual.

Genetic Services Laboratory, University of Chicago
Classification: Pathogenic for Lissencephaly 1. Last evaluated: 2014-03-31. Review status: criteria provided, single submitter. Criteria: ACMG Guidelines, 2007. Collection method: clinical testing. Allele origin: germline. Inheritance: Autosomal dominant inheritance. Affected: yes.

OMIM
Classification: Pathogenic for SUBCORTICAL LAMINAR HETEROTOPIA. Last evaluated: 2003-10-28. Review status: no assertion criteria provided. Collection method: literature only. Allele origin: unknown. Not counted in ClinVar's aggregate classification.

OMIM
Classification: Pathogenic for LISSENCEPHALY 1. Last evaluated: 2003-10-28. Review status: no assertion criteria provided. Collection method: literature only. Allele origin: unknown. Not counted in ClinVar's aggregate classification.

University of Washington Center for Mendelian Genomics, University of Washington
Classification: Likely pathogenic for lissencephaly. Review status: no assertion criteria provided. Collection method: research. Allele origin: unknown. Affected: yes. Not counted in ClinVar's aggregate classification.

Literature cited by the submitters: PubMed 14581661 (cited by Labcorp Genetics (formerly Invitae), Labcorp and OMIM); PubMed 29671837 (cited by Labcorp Genetics (formerly Invitae), Labcorp and University of Washington Center for Mendelian Genomics, University of Washington); PubMed 1671808 (cited by Labcorp Genetics (formerly Invitae), Labcorp); PubMed 11115846 (cited by Labcorp Genetics (formerly Invitae), Labcorp).

NM_000430.4(PAFAH1B1):c.22C>T (p.Arg8Ter)

Gene: PAFAH1B1 (platelet activating factor acetylhydrolase 1b regulatory subunit 1; plus strand). Cytogenetic location: 17p13.3.
Variant type: single nucleotide variant.
Coding change: c.22C>T on transcript NM_000430.4 (MANE Select); coding-DNA position 22, C replaced by T.
Protein change: p.Arg8Ter; replaces arginine 8 with a stop codon.
Molecular consequence: nonsense.
Genome position (GRCh38, 1-based): chr17:2,638,310, C>T. VCF-style: chr17-2638310-C-T. GRCh37 (hg19) VCF-style: chr17-2541604-C-T.
Other names: short protein forms R8*.
Identifiers: ClinVar variation 8081 (VCV000008081.17), dbSNP rs121434489, ClinGen allele CA119279.